The following is an entry in ClinVar:

NM_005559.4(LAMA1):c.7446A>G (p.Leu2482=)

Gene: LAMA1 (laminin subunit alpha 1; minus strand). Cytogenetic location: 18p11.31.
Variant type: single nucleotide variant.
Coding change: c.7446A>G on transcript NM_005559.4 (MANE Select); coding-DNA position 7446, A replaced by G.
Protein change: p.Leu2482=; no amino-acid change (leucine 2482 retained).
Molecular consequence: synonymous variant.
Genome position (GRCh38, 1-based): chr18:6,961,951, T>C on the plus strand (A>G on the coding strand, the complement: LAMA1 is on the minus strand). VCF-style: chr18-6961951-T-C. GRCh37 (hg19) VCF-style: chr18-6961950-T-C.
Identifiers: ClinVar variation 720589 (VCV000720589.37), dbSNP rs145257845, ClinGen allele CA8880904.

ClinVar aggregate classification (germline): Benign/Likely benign. Review status: criteria provided, multiple submitters, no conflicts (2 of 4 stars). 5 submissions from 5 submitters: Benign (1); Likely benign (3). 1 of the submissions does not count toward it. Last evaluated 2025-09-22.

Conditions:
LAMA1-related disorder. Also called: LAMA1-related condition; LAMA1-related disorders.
Ataxia - intellectual disability - oculomotor apraxia - cerebellar cysts syndrome. Also called: Poretti-Boltshauser syndrome. Identifiers: Orphanet 370022, MedGen C4014821, MONDO:0014419, OMIM 615960.

Allele frequency attached by ClinVar (database versions not stated): gnomAD exomes 0.00016 and 0.00039; ExAC 0.00048; ESP Exome Variant Server 0.00115; gnomAD 0.00136 and 0.00144; TOPMed 0.00146; 1000 Genomes Project 30x 0.00250; 1000 Genomes Project 0.00300.
gnomAD v4.1: 450 of 1,612,390 alleles (0.028%); highest among the groups gnomAD compares: African/African-American, 0.49%; 1 homozygote.

Submissions (5):

Labcorp Genetics (formerly Invitae), Labcorp
Classification: Benign. Last evaluated: 2025-09-22. Review status: criteria provided, single submitter. Criteria: Invitae Variant Classification Sherloc (09022015). Collection method: clinical testing. Allele origin: germline.

Blueprint Genetics
Classification: Likely benign. Last evaluated: 2024-11-26. Review status: criteria provided, single submitter. Criteria: ACMG Guidelines, 2015. Collection method: clinical testing. Allele origin: germline.

CeGaT Center for Human Genetics Tuebingen
Classification: Likely benign. Last evaluated: 2024-10-01. Review status: criteria provided, single submitter. Criteria: CeGaT Center For Human Genetics Tuebingen Variant Classification Criteria Version 2. Collection method: clinical testing. Allele origin: germline. Affected: yes. Observed: 2 variant alleles.
Comment: LAMA1: BP4, BP7

Fulgent Genetics
Classification: Likely benign for Ataxia - intellectual disability - oculomotor apraxia - cerebellar cysts syndrome. Last evaluated: 2021-11-18. Review status: criteria provided, single submitter. Criteria: ACMG Guidelines, 2015. Collection method: clinical testing. Allele origin: unknown.

PreventionGenetics, part of Exact Sciences
Classification: Likely benign for LAMA1-related condition. Last evaluated: 2019-10-22. Review status: no assertion criteria provided. Collection method: clinical testing. Allele origin: germline. Not counted in ClinVar's aggregate classification.
Comment: This variant is classified as likely benign based on ACMG/AMP sequence variant interpretation guidelines (Richards et al. 2015 PMID: 25741868, with internal and published modifications).